The following is an entry in ClinVar:

ClinVar aggregate classification (germline): Uncertain significance (1 of 4 stars; one submission).

Conditions:
Neuroblastoma, susceptibility to, 3. Also called: ALK-Related Neuroblastic Tumor Susceptibility. Identifiers: Orphanet 635, MedGen C2751681, MONDO:0013083, OMIM 613014.

Submission:

Labcorp Genetics (formerly Invitae), Labcorp
Classification: Uncertain significance for Neuroblastoma, susceptibility to, 3. Last evaluated: 2021-07-29. Review status: criteria provided, single submitter. Criteria: Invitae Variant Classification Sherloc (09022015). Collection method: clinical testing. Allele origin: germline.
Comment: This sequence change replaces arginine with leucine at codon 1360 of the ALK protein (p.Arg1360Leu). The arginine residue is highly conserved and there is a moderate physicochemical difference between arginine and leucine. This variant is not present in population databases (ExAC no frequency). This variant has not been reported in the literature in individuals affected with ALK-related conditions. Algorithms developed to predict the effect of missense changes on protein structure and function are either unavailable or do not agree on the potential impact of this missense change (SIFT: "Deleterious"; PolyPhen-2: "Probably Damaging"; Align-GVGD: "Class C0"). In summary, the available evidence is currently insufficient to determine the role of this variant in disease. Therefore, it has been classified as a Variant of Uncertain Significance.

NM_004304.5(ALK):c.4079G>T (p.Arg1360Leu)

Gene: ALK (ALK receptor tyrosine kinase; minus strand). Cytogenetic location: 2p23.2.
Variant type: single nucleotide variant.
Coding change: c.4079G>T on transcript NM_004304.5 (MANE Select); coding-DNA position 4079, G replaced by T.
Protein change: p.Arg1360Leu; replaces arginine 1360 with leucine.
Molecular consequence: missense variant.
Genome position (GRCh38, 1-based): chr2:29,196,855, C>A on the plus strand (G>T on the coding strand, the complement: ALK is on the minus strand). VCF-style: chr2-29196855-C-A. GRCh37 (hg19) VCF-style: chr2-29419721-C-A.
Other names: c.875G>T, p.Arg292Leu (NM_001353765.2); short protein forms R1360L, R292L.
Identifiers: ClinVar variation 1370859 (VCV001370859.6), dbSNP rs1215186876, ClinGen allele CA346465565.